The following is an entry in ClinVar:

ClinVar aggregate classification (germline): Uncertain significance. Review status: criteria provided, multiple submitters, no conflicts (2 of 4 stars). 2 submissions from 2 submitters: Uncertain significance (2). Last evaluated 2025-07-07.

Conditions:
Inborn genetic diseases. Identifiers: MedGen C0950123, MeSH D030342.
Fanconi anemia (FA). Also called: Fanconi's anemia. Identifiers: Orphanet 84, MedGen C0015625, MeSH D005199, MONDO:0019391.

Allele frequency attached by ClinVar (database versions not stated): gnomAD exomes 0.00002.
gnomAD v4.1: 16 of 1,614,182 alleles (0.00099%); highest among the groups gnomAD compares: Non-Finnish European, 0.0014%; no homozygotes.

Submissions (2):

Labcorp Genetics (formerly Invitae), Labcorp
Classification: Uncertain significance for Fanconi anemia. Last evaluated: 2025-07-07. Review status: criteria provided, single submitter. Criteria: Invitae Variant Classification Sherloc (09022015). Collection method: clinical testing. Allele origin: germline.
Comment: This sequence change replaces glutamine, which is neutral and polar, with glutamic acid, which is acidic and polar, at codon 376 of the FANCA protein (p.Gln376Glu). This variant is not present in population databases (gnomAD no frequency). This variant has not been reported in the literature in individuals affected with FANCA-related conditions. ClinVar contains an entry for this variant (Variation ID: 961176). Invitae Evidence Modeling of protein sequence and biophysical properties (such as structural, functional, and spatial information, amino acid conservation, physicochemical variation, residue mobility, and thermodynamic stability) indicates that this missense variant is not expected to disrupt FANCA protein function with a negative predictive value of 95%. In summary, the available evidence is currently insufficient to determine the role of this variant in disease. Therefore, it has been classified as a Variant of Uncertain Significance.

Ambry Genetics
Classification: Uncertain significance for Inborn genetic diseases. Last evaluated: 2025-02-27. Review status: criteria provided, single submitter. Criteria: Ambry Variant Classification Scheme 2023. Collection method: clinical testing. Allele origin: germline.
Comment: The p.Q376E variant (also known as c.1126C>G), located in coding exon 13 of the FANCA gene, results from a C to G substitution at nucleotide position 1126. The glutamine at codon 376 is replaced by glutamic acid, an amino acid with highly similar properties. This amino acid position is conserved. In addition, this alteration is predicted to be tolerated by in silico analysis. Based on the available evidence, the clinical significance of this variant remains unclear.

NM_000135.4(FANCA):c.1126C>G (p.Gln376Glu)

Gene: FANCA (FA complementation group A; minus strand). Cytogenetic location: 16q24.3.
Variant type: single nucleotide variant.
Coding change: c.1126C>G on transcript NM_000135.4 (MANE Select); coding-DNA position 1126, C replaced by G.
Protein change: p.Gln376Glu; replaces glutamine 376 with glutamic acid.
Molecular consequence: missense variant.
Genome position (GRCh38, 1-based): chr16:89,792,026, G>C on the plus strand (C>G on the coding strand, the complement: FANCA is on the minus strand). VCF-style: chr16-89792026-G-C. GRCh37 (hg19) VCF-style: chr16-89858434-G-C.
Other names: c.1126C>G, p.Gln376Glu (NM_001286167.3); short protein forms Q376E.
Identifiers: ClinVar variation 961176 (VCV000961176.8), dbSNP rs2040093330, ClinGen allele CA397466248.